The following is an entry in ClinVar:

ClinVar aggregate classification (germline): Uncertain significance (1 of 4 stars; one submission).

Allele frequency attached by ClinVar (database versions not stated): gnomAD 0.00001.
gnomAD v4.1: 1 of 1,613,496 alleles (0.000062%); highest among the groups gnomAD compares: African/African-American, 0.0013%; no homozygotes.

Submission:

GeneDx
Classification: Uncertain significance. Last evaluated: 2026-03-20. Review status: criteria provided, single submitter. Criteria: GeneDx Variant Classification Process June 2021. Collection method: clinical testing. Allele origin: germline.
Comment: Not observed at significant frequency in large population cohorts (gnomAD); In silico analysis supports that this missense variant has a deleterious effect on protein structure/function; Has not been previously published as pathogenic or benign to our knowledge

NM_001348323.3(TRIP12):c.4409C>A (p.Thr1470Lys)

Gene: TRIP12 (thyroid hormone receptor interactor 12; minus strand). Cytogenetic location: 2q36.3.
Variant type: single nucleotide variant.
Coding change: c.4409C>A on transcript NM_001348323.3 (MANE Select); coding-DNA position 4409, C replaced by A.
Protein change: p.Thr1470Lys; replaces threonine 1470 with lysine.
Molecular consequence: missense variant.
Genome position (GRCh38, 1-based): chr2:229,791,872, G>T on the plus strand (C>A on the coding strand, the complement: TRIP12 is on the minus strand). VCF-style: chr2-229791872-G-T. GRCh37 (hg19) VCF-style: chr2-230656588-G-T.
Other names: c.4328C>A, p.Thr1443Lys (NM_001284214.2, NM_001348315.2); c.4283C>A, p.Thr1428Lys (NM_001284215.2, NM_001348316.2); c.3374C>A, p.Thr1125Lys (NM_001284216.2); c.4268C>A, p.Thr1423Lys (NM_001348317.1, NM_001348318.2); c.4394C>A, p.Thr1465Lys (NM_001348319.1, NM_001348320.2); c.4397C>A, p.Thr1466Lys (NM_001348321.1); c.4409C>A, p.Thr1470Lys (NM_001348322.1, NM_001348324.2, NM_001348325.2 and 2 more transcripts); c.4412C>A, p.Thr1471Lys (NM_001348328.1, NM_001348329.2, NM_001348330.2); and 4 more; short protein forms T1125K, T1395K, T1396K, T1423K, T1428K, T1436K, T1443K, T1444K.
Identifiers: ClinVar variation 2500498 (VCV002500498.2), dbSNP rs1470152026, ClinGen allele CA350898774.